The following is an entry in ClinVar:

NC_000016.10:g.1457356_1457357insATGCTCAGAGACACGCGTGACGCGGCCCTTCCTGGAGACCAGAAGGACCG

Gene: CLCN7 (chloride voltage-gated channel 7; minus strand). Cytogenetic location: 16p13.3.
Variant type: Insertion.
Genome position: GRCh38: chr16:1,457,356-1,457,357. GRCh37 (hg19): chr16:1,507,357-1,507,358.
Identifiers: ClinVar variation 1459594 (VCV001459594.5), ClinGen allele CA7810584.

ClinVar aggregate classification (germline): Pathogenic (1 of 4 stars; one submission).

Submission:

Labcorp Genetics (formerly Invitae), Labcorp
Classification: Pathogenic. Last evaluated: 2021-10-16. Review status: criteria provided, single submitter. Criteria: Invitae Variant Classification Sherloc (09022015). Collection method: clinical testing. Allele origin: germline.
Comment: This variant is not present in population databases (gnomAD no frequency). For these reasons, this variant has been classified as Pathogenic. Algorithms developed to predict the effect of sequence changes on RNA splicing suggest that this variant may create or strengthen a splice site. This variant has not been reported in the literature in individuals affected with CLCN7-related conditions. This sequence change creates a premature translational stop signal (p.Met250Argfs*6) in the CLCN7 gene. It is expected to result in an absent or disrupted protein product. Loss-of-function variants in CLCN7 are known to be pathogenic (PMID: 14584882, 19953639).

Literature cited by the submitters: PubMed 14584882; PubMed 19953639.